The following is an entry in ClinVar:

ClinVar aggregate classification (germline): Uncertain significance (1 of 4 stars; one submission).

Conditions:
Hereditary cancer-predisposing syndrome. Also called: Neoplastic Syndromes, Hereditary; Tumor predisposition; Hereditary neoplastic syndrome; Hereditary Cancer Syndrome. Identifiers: Orphanet 140162, MedGen C0027672, MeSH D009386, MONDO:0015356.

Submission:

Ambry Genetics
Classification: Uncertain significance for Hereditary cancer-predisposing syndrome. Last evaluated: 2026-08-10. Review status: criteria provided, single submitter. Criteria: Ambry Variant Classification Scheme 2023. Collection method: clinical testing. Allele origin: germline.
Comment: The c.1555_1557delTTT variant (also known as p.F519del) is located in coding exon 11 of the FLCN gene. This variant results from an in-frame TTT deletion at nucleotide positions 1555 to 1557. This results in the in-frame deletion of a phenylalanine at codon 519. This amino acid position is highly conserved in available vertebrate species. In addition, the in silico prediction for this variant is inconclusive (Choi Y et al. PLoS ONE. 2012; 7(10):e46688). Based on the available evidence, the clinical significance of this variant remains unclear.

NM_144997.7(FLCN):c.1555_1557del (p.Phe519del)

Gene: FLCN (folliculin; minus strand). Cytogenetic location: 17p11.2.
Variant type: Deletion.
Coding change: c.1555_1557del on transcript NM_144997.7 (MANE Select); coding-DNA positions 1555 to 1557, 3 bases deleted (TTT; older notation c.1555_1557delTTT).
Protein change: p.Phe519del; deletes phenylalanine 519.
Molecular consequence: inframe indel (on NM_144997.5).
Genome position (GRCh38, 1-based): chr17:17,213,838-17,213,840, AAA deleted on the plus strand (TTT on the coding strand, the reverse complement: FLCN is on the minus strand); deleting any 3 consecutive bases within chr17:17,213,838-17,213,842 gives the same sequence; the c. name uses the placement nearest the transcript's 3' end. VCF-style (leftmost placement, unchanged base first): chr17-17213837-TAAA-T. GRCh37 (hg19) VCF-style: chr17-17117151-TAAA-T.
Other names: c.1555_1557delTTT (NM_144997.5); c.1609_1611del, p.Phe537del (NM_001353229.2); c.1555_1557del, p.Phe519del (NM_001353230.2, NM_001353231.2); short protein forms F537del, F519del.
Identifiers: ClinVar variation 5021868 (VCV005021868.1).